The following is an entry in ClinVar:

NM_001206927.2(DNAH8):c.9333G>T (p.Leu3111Phe)

Gene: DNAH8 (dynein axonemal heavy chain 8; plus strand). Cytogenetic location: 6p21.2.
Variant type: single nucleotide variant.
Coding change: c.9333G>T on transcript NM_001206927.2 (MANE Select); coding-DNA position 9333, G replaced by T.
Protein change: p.Leu3111Phe; replaces leucine 3111 with phenylalanine.
Molecular consequence: missense variant.
Genome position (GRCh38, 1-based): chr6:38,906,392, G>T. VCF-style: chr6-38906392-G-T. GRCh37 (hg19) VCF-style: chr6-38874168-G-T.
Other names: c.8682G>T, p.Leu2894Phe (NM_001371.4); short protein forms L2894F, L3111F.
Identifiers: ClinVar variation 3651596 (VCV003651596.2).

ClinVar aggregate classification (germline): Uncertain significance (1 of 4 stars; one submission).

Conditions:
Primary ciliary dyskinesia. Also called: Ciliary dyskinesia. Identifiers: Orphanet 244, MedGen C0008780, MONDO:0016575, HP:0012265.

gnomAD v4.1: 1 of 1,605,238 alleles (0.000062%); highest among the groups gnomAD compares: Non-Finnish European, 0.000085%; no homozygotes.

Submission:

Labcorp Genetics (formerly Invitae), Labcorp
Classification: Uncertain significance for Primary ciliary dyskinesia. Last evaluated: 2024-04-10. Review status: criteria provided, single submitter. Criteria: Invitae Variant Classification Sherloc (09022015). Collection method: clinical testing. Allele origin: germline.
Comment: This sequence change replaces leucine, which is neutral and non-polar, with phenylalanine, which is neutral and non-polar, at codon 3111 of the DNAH8 protein (p.Leu3111Phe). This variant is not present in population databases (gnomAD no frequency). This variant has not been reported in the literature in individuals affected with DNAH8-related conditions. Advanced modeling of protein sequence and biophysical properties (such as structural, functional, and spatial information, amino acid conservation, physicochemical variation, residue mobility, and thermodynamic stability) performed at Invitae indicates that this missense variant is not expected to disrupt DNAH8 protein function with a negative predictive value of 80%. In summary, the available evidence is currently insufficient to determine the role of this variant in disease. Therefore, it has been classified as a Variant of Uncertain Significance.